The following is an entry in ClinVar:

NM_000548.5(TSC2):c.3085A>G (p.Met1029Val)

Gene: TSC2 (TSC complex subunit 2; plus strand). Cytogenetic location: 16p13.3.
Variant type: single nucleotide variant.
Coding change: c.3085A>G on transcript NM_000548.5 (MANE Select); coding-DNA position 3085, A replaced by G.
Protein change: p.Met1029Val; replaces methionine 1029 with valine.
Molecular consequence: missense variant.
Genome position (GRCh38, 1-based): chr16:2,079,150, A>G. VCF-style: chr16-2079150-A-G. GRCh37 (hg19) VCF-style: chr16-2129151-A-G.
Other names: c.2953A>G, p.Met985Val (NM_001077183.3, NM_001370404.1, NM_001406665.1); c.3085A>G, p.Met1029Val (NM_001114382.3); c.2845A>G, p.Met949Val (NM_001318827.2); c.2809A>G, p.Met937Val (NM_001318829.2); c.2353A>G, p.Met785Val (NM_001318831.2, NM_001406687.1, NM_001406688.1); c.2986A>G, p.Met996Val (NM_001318832.2); c.2956A>G, p.Met986Val (NM_001363528.2, NM_001370405.1, NM_021055.3); c.3082A>G, p.Met1028Val (NM_001406663.1, NM_001406664.1); and 18 more; short protein forms M1028V, M786V, M937V, M948V, M966V, M980V, M986V, M992V.
Identifiers: ClinVar variation 1727397 (VCV001727397.14), dbSNP rs780572757, ClinGen allele CA394284637.

ClinVar aggregate classification (germline): Uncertain significance. Review status: criteria provided, multiple submitters, no conflicts (2 of 4 stars). 3 submissions from 3 submitters: Uncertain significance (3). Last evaluated 2026-04-01.

Conditions:
Hereditary cancer-predisposing syndrome. Also called: Hereditary neoplastic syndrome; Tumor predisposition; Neoplastic Syndromes, Hereditary; Hereditary Cancer Syndrome. Identifiers: Orphanet 140162, MedGen C0027672, MeSH D009386, MONDO:0015356.
Tuberous sclerosis 2 (TSC2). Identifiers: Orphanet 805, MedGen C1860707, MONDO:0013199, OMIM 613254.

Submissions (3):

CeGaT Center for Human Genetics Tuebingen
Classification: Uncertain significance. Last evaluated: 2026-04-01. Review status: criteria provided, single submitter. Criteria: CeGaT Center For Human Genetics Tuebingen Variant Classification Criteria Version 2. Collection method: clinical testing. Allele origin: germline. Affected: yes. Observed: 2 variant alleles.
Comment: TSC2: PM1, PM5

Ambry Genetics
Classification: Uncertain significance for Hereditary cancer-predisposing syndrome. Last evaluated: 2025-01-15. Review status: criteria provided, single submitter. Criteria: Ambry Variant Classification Scheme 2023. Collection method: clinical testing. Allele origin: germline.
Comment: The p.M1029V variant (also known as c.3085A>G), located in coding exon 26 of the TSC2 gene, results from an A to G substitution at nucleotide position 3085. The methionine at codon 1029 is replaced by valine, an amino acid with highly similar properties. This amino acid position is highly conserved in available vertebrate species. In addition, this alteration is predicted to be deleterious by in silico analysis. Based on the available evidence, the clinical significance of this variant remains unclear.

Labcorp Genetics (formerly Invitae), Labcorp
Classification: Uncertain significance for Tuberous sclerosis 2. Last evaluated: 2024-09-04. Review status: criteria provided, single submitter. Criteria: Invitae Variant Classification Sherloc (09022015). Collection method: clinical testing. Allele origin: germline.
Comment: This sequence change replaces methionine, which is neutral and non-polar, with valine, which is neutral and non-polar, at codon 1029 of the TSC2 protein (p.Met1029Val). This variant is not present in population databases (gnomAD no frequency). This variant has not been reported in the literature in individuals affected with TSC2-related conditions. ClinVar contains an entry for this variant (Variation ID: 1727397). Invitae Evidence Modeling of protein sequence and biophysical properties (such as structural, functional, and spatial information, amino acid conservation, physicochemical variation, residue mobility, and thermodynamic stability) indicates that this missense variant is not expected to disrupt TSC2 protein function with a negative predictive value of 95%. In summary, the available evidence is currently insufficient to determine the role of this variant in disease. Therefore, it has been classified as a Variant of Uncertain Significance.